The following is an entry in ClinVar:

ClinVar aggregate classification (germline): Uncertain significance (1 of 4 stars; one submission).

Submission:

Labcorp Genetics (formerly Invitae), Labcorp
Classification: Uncertain significance. Last evaluated: 2020-07-30. Review status: criteria provided, single submitter. Criteria: Invitae Variant Classification Sherloc (09022015). Collection method: clinical testing. Allele origin: germline.
Comment: In summary, the available evidence is currently insufficient to determine the role of this variant in disease. Therefore, it has been classified as a Variant of Uncertain Significance. Algorithms developed to predict the effect of missense changes on protein structure and function (SIFT, PolyPhen-2, Align-GVGD) all suggest that this variant is likely to be tolerated, but these predictions have not been confirmed by published functional studies and their clinical significance is uncertain. This variant has not been reported in the literature in individuals with CNNM4-related conditions. This variant is not present in population databases (ExAC no frequency). This sequence change replaces glutamine with arginine at codon 363 of the CNNM4 protein (p.Gln363Arg). The glutamine residue is moderately conserved and there is a small physicochemical difference between glutamine and arginine.

NM_020184.4(CNNM4):c.1088A>G (p.Gln363Arg)

Gene: CNNM4 (cyclin and CBS domain divalent metal cation transport mediator 4; plus strand). Cytogenetic location: 2q11.2.
Variant type: single nucleotide variant.
Coding change: c.1088A>G on transcript NM_020184.4 (MANE Select); coding-DNA position 1088, A replaced by G.
Protein change: p.Gln363Arg; replaces glutamine 363 with arginine.
Molecular consequence: missense variant.
Genome position (GRCh38, 1-based): chr2:96,762,087, A>G. VCF-style: chr2-96762087-A-G. GRCh37 (hg19) VCF-style: chr2-97427824-A-G.
Other names: short protein forms Q363R.
Identifiers: ClinVar variation 1005410 (VCV001005410.8), dbSNP rs2078769875, ClinGen allele CA347716228.